The following is an entry in ClinVar:

ClinVar aggregate classification (germline): Uncertain significance. Review status: criteria provided, multiple submitters, no conflicts (2 of 4 stars). 2 submissions from 2 submitters: Uncertain significance (2). Last evaluated 2025-03-17.

Allele frequency attached by ClinVar (database versions not stated): ExAC 0.00002; gnomAD 0.00003; TOPMed 0.00003.
gnomAD v4.1: 42 of 1,613,944 alleles (0.0026%); highest among the groups gnomAD compares: African/African-American, 0.0053%; no homozygotes.

Submissions (2):

Labcorp Genetics (formerly Invitae), Labcorp
Classification: Uncertain significance. Last evaluated: 2025-03-17. Review status: criteria provided, single submitter. Criteria: Invitae Variant Classification Sherloc (09022015). Collection method: clinical testing. Allele origin: germline.
Comment: This sequence change replaces arginine, which is basic and polar, with histidine, which is basic and polar, at codon 1895 of the CDH23 protein (p.Arg1895His). This variant is present in population databases (rs762124768, gnomAD 0.007%). This variant has not been reported in the literature in individuals affected with CDH23-related conditions. ClinVar contains an entry for this variant (Variation ID: 2150803). Invitae Evidence Modeling of protein sequence and biophysical properties (such as structural, functional, and spatial information, amino acid conservation, physicochemical variation, residue mobility, and thermodynamic stability) has been performed for this missense variant. However, the output from this modeling did not meet the statistical confidence thresholds required to predict the impact of this variant on CDH23 protein function. In summary, the available evidence is currently insufficient to determine the role of this variant in disease. Therefore, it has been classified as a Variant of Uncertain Significance.

Blueprint Genetics
Classification: Uncertain significance. Last evaluated: 2023-11-10. Review status: criteria provided, single submitter. Criteria: ACMG Guidelines, 2015. Collection method: clinical testing. Allele origin: germline.

NM_022124.6(CDH23):c.5684G>A (p.Arg1895His)

Gene: CDH23 (cadherin related 23; plus strand). Cytogenetic location: 10q22.1.
Variant type: single nucleotide variant.
Coding change: c.5684G>A on transcript NM_022124.6 (MANE Select); coding-DNA position 5684, G replaced by A.
Protein change: p.Arg1895His; replaces arginine 1895 with histidine.
Molecular consequence: missense variant.
Genome position (GRCh38, 1-based): chr10:71,785,072, G>A. VCF-style: chr10-71785072-G-A. GRCh37 (hg19) VCF-style: chr10-73544829-G-A.
Other names: short protein forms R1895H.
Identifiers: ClinVar variation 2150803 (VCV002150803.3), dbSNP rs762124768, ClinGen allele CA5545836.
Genomic context (GRCh38, chr10:71,785,072, plus strand): 5'-CCAGTGACGCTGACAGTGGCTGCAATGCACGCCTCACCTTCAACATCACTGCGGGCAACC[G>A]CGAGCGGGCCTTCTTCATCAATGCCACGGTAGGGCCTAGACTGACCCCAGGGAGCTTCCC-3'
Protein context (NP_071407.4, residues 1885-1905): RLTFNITAGN[Arg1895His]ERAFFINATT